The following is an entry in ClinVar:

NM_000451.4(SHOX):c.627C>G (p.Phe209Leu)

Gene: SHOX (SHOX homeobox; plus strand). Cytogenetic location: Xp22.33.
Variant type: single nucleotide variant.
Coding change: c.627C>G on transcript NM_000451.4 (MANE Select); coding-DNA position 627, C replaced by G.
Protein change: p.Phe209Leu; replaces phenylalanine 209 with leucine.
Molecular consequence: missense variant.
Genome position (GRCh38, 1-based): chrX:641,081, C>G. VCF-style: chrX-641081-C-G. GRCh37 (hg19) VCF-style: chrX-601816-C-G.
Other names: c.627C>G, p.Phe209Leu (NM_006883.2); short protein forms F209L.
Identifiers: ClinVar variation 2428569 (VCV002428569.3), dbSNP rs1197034794, ClinGen allele CA412231925.

ClinVar aggregate classification (germline): Uncertain significance (1 of 4 stars; one submission).

Allele frequency attached by ClinVar (database versions not stated): gnomAD exomes below 0.00001; TOPMed below 0.00001; gnomAD 0.00001.
gnomAD v4.1: 2 of 1,613,718 alleles (0.00012%); highest among the groups gnomAD compares: Non-Finnish European, 0.00017%; no homozygotes.

Submission:

ARUP Laboratories, Molecular Genetics and Genomics, ARUP Laboratories
Classification: Uncertain significance. Last evaluated: 2022-07-26. Review status: criteria provided, single submitter. Criteria: ARUP Molecular Germline Variant Investigation Process 2021. Collection method: clinical testing. Allele origin: germline.
Comment: The SHOX c.627C>G; p.Phe209Leu variant (rs1197034794), to our knowledge, is not reported in the medical literature or gene specific databases. This variant is only observed on one allele in the Genome Aggregation Database, indicating it is not a common polymorphism. The phenylalanine at codon 209 is highly conserved, but computational analyses are uncertain whether this variant is neutral or deleterious (REVEL: 0.403). Due to limited information, the clinical significance of the p.Phe209Leu variant is uncertain at this time.